The following is an entry in ClinVar:

NM_020975.6(RET):c.3282T>C (p.Ser1094=)

Gene: RET (ret proto-oncogene; plus strand). Cytogenetic location: 10q11.21.
Variant type: single nucleotide variant.
Coding change: c.3282T>C on transcript NM_020975.6 (MANE Select); coding-DNA position 3282, T replaced by C.
Protein change: p.Ser1094=; no amino-acid change (serine 1094 retained).
Molecular consequence: synonymous variant. On other transcripts: 3 prime UTR variant (18), intron variant (3).
Genome position (GRCh38, 1-based): chr10:43,128,206, T>C. VCF-style: chr10-43128206-T-C. GRCh37 (hg19) VCF-style: chr10-43623654-T-C.
Other names: c.3282T>C, p.Ser1094= (NM_000323.2, NM_001406743.1); c.*1452T>C (NM_001355216.2, NM_001406764.1, NM_001406765.1 and 15 more transcripts); c.3222T>C, p.Ser1074= (NM_001406759.1, NM_001406760.1); c.3153T>C, p.Ser1051= (NM_001406761.1, NM_001406762.1); c.3147T>C, p.Ser1049= (NM_001406763.1); c.2994T>C, p.Ser998= (NM_001406766.1, NM_001406767.1); c.2886T>C, p.Ser962= (NM_001406769.1); c.2844T>C, p.Ser948= (NM_001406771.1); and 10 more.
Identifiers: ClinVar variation 2889747 (VCV002889747.5), dbSNP rs779779706, ClinGen allele CA054962.
Genomic context (GRCh38, chr10:43,128,206, plus strand): 5'-TGTACCACTCACGAGAGCTGATGGCACTAACACTGGGTTTCCAAGATATCCAAATGATAG[T>C]GTATATGCTAACTGGATGCTTTCACCCTCAGCGGCAAAATTAATGGACACGTTTGATAGT-3'
Protein context (NP_066124.1, residues 1084-1104): NTGFPRYPND[Ser1094=]VYANWMLSPS

ClinVar aggregate classification (germline): Likely benign. Review status: criteria provided, multiple submitters, no conflicts (2 of 4 stars). 3 submissions from 3 submitters: Likely benign (3). Last evaluated 2025-11-06.

Conditions:
Multiple endocrine neoplasia, type 2 (MEN2). Identifiers: Orphanet 653, MedGen C4048306, MONDO:0019003. Disease mechanism: gain of function.
Hereditary cancer-predisposing syndrome. Also called: Neoplastic Syndromes, Hereditary; Hereditary neoplastic syndrome; Tumor predisposition; Hereditary Cancer Syndrome. Identifiers: Orphanet 140162, MedGen C0027672, MeSH D009386, MONDO:0015356.

Allele frequency attached by ClinVar (database versions not stated): gnomAD exomes below 0.00001; ExAC 0.00001.
gnomAD v4.1: 1 of 1,614,190 alleles (0.000062%); highest among the groups gnomAD compares: South Asian, 0.0011%; no homozygotes.

Submissions (3):

Labcorp Genetics (formerly Invitae), Labcorp
Classification: Likely benign for Multiple endocrine neoplasia, type 2. Last evaluated: 2025-11-06. Review status: criteria provided, single submitter. Criteria: Invitae Variant Classification Sherloc (09022015). Collection method: clinical testing. Allele origin: germline.

Ambry Genetics
Classification: Likely benign for Hereditary cancer-predisposing syndrome. Last evaluated: 2025-03-28. Review status: criteria provided, single submitter. Criteria: Ambry Variant Classification Scheme 2023. Collection method: clinical testing. Allele origin: germline.

All of Us Research Program, National Institutes of Health
Classification: Likely benign for Multiple endocrine neoplasia, type 2. Last evaluated: 2023-10-06. Review status: criteria provided, single submitter. Criteria: ACMG Guidelines, 2015. Collection method: clinical testing. Allele origin: germline. Inheritance: Autosomal dominant inheritance. Observed: 1 variant allele, 1 heterozygote.
Comment: This study involves interpretation of variants in research participants for the purpose of population health screening. Participant phenotype was not available at the time of variant classification. Additional details can be found in publication PMID: 35346344, PMCID: PMC8962531